The following is an entry in ClinVar:

NM_177402.5(SYT2):c.981C>T (p.Thr327=)

Gene: SYT2 (synaptotagmin 2; minus strand). Cytogenetic location: 1q32.1.
Variant type: single nucleotide variant.
Coding change: c.981C>T on transcript NM_177402.5 (MANE Select); coding-DNA position 981, C replaced by T.
Protein change: p.Thr327=; no amino-acid change (threonine 327 retained).
Molecular consequence: synonymous variant.
Genome position (GRCh38, 1-based): chr1:202,599,290, G>A on the plus strand (C>T on the coding strand, the complement: SYT2 is on the minus strand). VCF-style: chr1-202599290-G-A. GRCh37 (hg19) VCF-style: chr1-202568418-G-A.
Other names: c.981C>T, p.Thr327= (NM_001136504.1); c.981C>T (NM_177402.4).
Identifiers: ClinVar variation 1925213 (VCV001925213.9), dbSNP rs774761571, ClinGen allele CA1333645.

ClinVar aggregate classification (germline): Likely benign. Review status: criteria provided, multiple submitters, no conflicts (2 of 4 stars). 4 submissions from 4 submitters: Likely benign (3). 1 of the submissions does not count toward it. Last evaluated 2026-05-26.

Conditions:
SYT2-related disorder. Also called: SYT2-related condition.

Allele frequency attached by ClinVar (database versions not stated): ExAC 0.00002.
gnomAD v4.1: 32 of 1,609,916 alleles (0.002%); highest among the groups gnomAD compares: African/African-American, 0.004%; no homozygotes.

Submissions (4):

Women's Health and Genetics/Laboratory Corporation of America, LabCorp
Classification: Likely benign. Last evaluated: 2026-05-26. Review status: criteria provided, single submitter. Criteria: LabCorp Variant Classification Summary - May 2015. Collection method: clinical testing. Allele origin: germline.

Labcorp Genetics (formerly Invitae), Labcorp
Classification: Likely benign. Last evaluated: 2025-06-20. Review status: criteria provided, single submitter. Criteria: Invitae Variant Classification Sherloc (09022015). Collection method: clinical testing. Allele origin: germline.

Blueprint Genetics
Classification: Likely benign. Last evaluated: 2023-02-03. Review status: criteria provided, single submitter. Criteria: ACMG Guidelines, 2015. Collection method: clinical testing. Allele origin: germline.

PreventionGenetics, part of Exact Sciences
Classification: Likely benign for SYT2-related condition. Last evaluated: 2023-05-04. Review status: no assertion criteria provided. Collection method: clinical testing. Allele origin: germline. Not counted in ClinVar's aggregate classification.
Comment: This variant is classified as likely benign based on ACMG/AMP sequence variant interpretation guidelines (Richards et al. 2015 PMID: 25741868, with internal and published modifications).